The following is an entry in ClinVar:

ClinVar aggregate classification (germline): Uncertain significance (1 of 4 stars; one submission).

Conditions:
Oligodontia-cancer predisposition syndrome. Also called: TOOTH AGENESIS-COLORECTAL CANCER SYNDROME. Identifiers: Orphanet 300576, MedGen C1837750, MONDO:0012075, OMIM 608615. Disease mechanism: loss of function.

Submission:

Labcorp Genetics (formerly Invitae), Labcorp
Classification: Uncertain significance for Oligodontia-cancer predisposition syndrome. Last evaluated: 2024-05-21. Review status: criteria provided, single submitter. Criteria: Invitae Variant Classification Sherloc (09022015). Collection method: clinical testing. Allele origin: germline.
Comment: This sequence change creates a premature translational stop signal (p.Phe812Cysfs*7) in the AXIN2 gene. While this is not anticipated to result in nonsense mediated decay, it is expected to disrupt the last 32 amino acid(s) of the AXIN2 protein. This variant is not present in population databases (gnomAD no frequency). This variant has not been reported in the literature in individuals affected with AXIN2-related conditions. ClinVar contains an entry for this variant (Variation ID: 1008176). Experimental studies and prediction algorithms are not available or were not evaluated, and the functional significance of this variant is currently unknown. This variant disrupts a region of the AXIN2 protein in which other variant(s) (p.Arg841Gln) have been observed in individuals with AXIN2-related conditions (PMID: 33725141). This suggests that this is a clinically significant region of the protein, and that variants that disrupt it are likely to be disease-causing. In summary, the available evidence is currently insufficient to determine the role of this variant in disease. Therefore, it has been classified as a Variant of Uncertain Significance.

Literature cited by the submitters: PubMed 33725141.

NM_004655.4(AXIN2):c.2435_2436del (p.Phe812fs)

Gene: AXIN2 (axin 2; minus strand). Cytogenetic location: 17q24.1.
Variant type: Deletion.
Coding change: c.2435_2436del on transcript NM_004655.4 (MANE Select); coding-DNA positions 2435 to 2436, 2 bases deleted (TT; older notation c.2435_2436delTT).
Protein change: p.Phe812fs; shifts the reading frame from phenylalanine 812.
Molecular consequence: frameshift variant.
Genome position (GRCh38, 1-based): chr17:65,530,072-65,530,073, AA deleted on the plus strand (TT on the coding strand, the reverse complement: AXIN2 is on the minus strand); deleting any 2 consecutive bases within chr17:65,530,072-65,530,074 gives the same sequence; the c. name uses the placement nearest the transcript's 3' end. VCF-style (leftmost placement, unchanged base first): chr17-65530071-CAA-C. GRCh37 (hg19) VCF-style: chr17-63526189-CAA-C.
Other names: c.2240_2241del, p.Phe747fs (NM_001363813.1); short protein forms F747fs, F812fs.
Identifiers: ClinVar variation 1008176 (VCV001008176.6), dbSNP rs2043791123, ClinGen allele CA2270880158.
Genomic context (GRCh38, chr17:65,530,071, plus strand): 5'-CTTCATACATCGGGAGCACCGTCTCATCCTCCCAGATCTCCTCAAACACCGCTCCACAGG[CAA>C]ACTCATCGCTTGCTTTTTTGAAGTAATACCTTAAAAGGAAAACCAAAAAAGCTTCTTGGT-3'